The following is an entry in ClinVar:

NM_181882.3(PRX):c.2787del (p.Lys930fs)

Gene: PRX (periaxin; minus strand). Cytogenetic location: 19q13.2.
Variant type: Deletion.
Coding change: c.2787del on transcript NM_181882.3 (MANE Select); coding-DNA position 2787, one base deleted (C; older notation c.2787delC).
Protein change: p.Lys930fs; shifts the reading frame from lysine 930.
Molecular consequence: frameshift variant. On other transcripts: 3 prime UTR variant (1).
Genome position (GRCh38, 1-based): chr19:40,395,565, G deleted on the plus strand (C on the coding strand, the reverse complement: PRX is on the minus strand); the first of 2 consecutive G bases (chr19:40,395,565-40,395,566); deleting either gives the same sequence. VCF-style (leftmost placement, unchanged base first): chr19-40395564-TG-T. GRCh37 (hg19) VCF-style: chr19-40901471-TG-T.
Other names: c.*2992del (NM_020956.2); short protein forms K930fs.
Identifiers: ClinVar variation 217239 (VCV000217239.18), dbSNP rs754521978, ClinGen allele CA277608.
Genomic context (GRCh38, chr19:40,395,564, plus strand): 5'-CCTCAGCCTCTGCCTTAGCCACCTTTGGCCCCGAGAGTCCAAACTTAGGTAAGGAGAACT[TG>T]GAAGAGGGCTTGACTTTTGTCTCTATCATCTCCAGCCGCCCTTCCTCAATTTCCACGGCG-3'

ClinVar aggregate classification (germline): Pathogenic/Likely pathogenic. Review status: criteria provided, multiple submitters, no conflicts (2 of 4 stars). 5 submissions from 5 submitters: Pathogenic (3); Likely pathogenic (1). 1 of the submissions does not count toward it. Last evaluated 2025-08-18.

Conditions:
Charcot-Marie-Tooth disease type 4. Also called: Charcot-Marie-Tooth disease, type IV; Charcot-Marie-Tooth, Type 4. Identifiers: Orphanet 64749, MedGen C4082197, MONDO:0018995.
Autosomal recessive Dejerine-Sottas syndrome. Also called: Autosomal recessive Dejerine-sottas neuropathy. Identifiers: MedGen CN069172.

Submissions (5):

Labcorp Genetics (formerly Invitae), Labcorp
Classification: Pathogenic for Charcot-Marie-Tooth disease type 4. Last evaluated: 2025-08-18. Review status: criteria provided, single submitter. Criteria: Invitae Variant Classification Sherloc (09022015). Collection method: clinical testing. Allele origin: germline.
Comment: This sequence change creates a premature translational stop signal (p.Lys930Serfs*28) in the PRX gene. While this is not anticipated to result in nonsense mediated decay, it is expected to disrupt the last 532 amino acid(s) of the PRX protein. This variant is present in population databases (rs754521978, gnomAD 0.04%). This premature translational stop signal has been observed in individuals with Charcot-Marie-Tooth disease (PMID: 11133365). This variant is also known as S929fsX957. ClinVar contains an entry for this variant (Variation ID: 217239). This variant disrupts a region of the PRX protein in which other variant(s) (p.Arg1070*) have been determined to be pathogenic (PMID: 15197604, 15469949, 16770524, 22847150, 26059842). This suggests that this is a clinically significant region of the protein, and that variants that disrupt it are likely to be disease-causing. For these reasons, this variant has been classified as Pathogenic.

GeneDx
Classification: Likely pathogenic. Last evaluated: 2024-08-12. Review status: criteria provided, single submitter. Criteria: GeneDx Variant Classification Process June 2021. Collection method: clinical testing. Allele origin: germline. Affected: yes.
Comment: Frameshift variant predicted to result in abnormal protein length as the last 532 amino acids are replaced with 27 different amino acids, and other similar variants have been reported in HGMD; This variant is associated with the following publications: (PMID: 11133365)

Eurofins Ntd Llc (ga)
Classification: Pathogenic. Last evaluated: 2016-02-10. Review status: criteria provided, single submitter. Criteria: EGL Classification Definitions 2015. Collection method: clinical testing. Allele origin: germline. Observed: 3 variant alleles, 1 heterozygote.

Athena Diagnostics
Classification: Pathogenic. Last evaluated: 2014-10-27. Review status: criteria provided, single submitter. Criteria: Athena Diagnostics Criteria. Collection method: clinical testing. Allele origin: unknown.
Comment: The variant results in a shift of the reading frame, and is therefore predicted to result in the loss of a functional protein. The frequency of this variant in the general population is consistent with pathogenicity. Found in multiple individuals with expected phenotype for this gene.

OMIM
Classification: Pathogenic for DEJERINE-SOTTAS NEUROPATHY, AUTOSOMAL RECESSIVE. Last evaluated: 2001-02-01. Review status: no assertion criteria provided. Collection method: literature only. Allele origin: germline. Not counted in ClinVar's aggregate classification.

Literature cited by the submitters: PubMed 11133365 (cited by 3 submitters); PubMed 15197604 (cited by Labcorp Genetics (formerly Invitae), Labcorp); PubMed 15469949 (cited by Labcorp Genetics (formerly Invitae), Labcorp); PubMed 16770524 (cited by Labcorp Genetics (formerly Invitae), Labcorp); PubMed 22847150 (cited by Labcorp Genetics (formerly Invitae), Labcorp); PubMed 26059842 (cited by Labcorp Genetics (formerly Invitae), Labcorp).